The following is an entry in ClinVar:

ClinVar aggregate classification (germline): Benign/Likely benign. Review status: criteria provided, multiple submitters, no conflicts (2 of 4 stars). 2 submissions from 2 submitters: Benign (1); Likely benign (1). Last evaluated 2018-01-12.

Conditions:
Arrhythmogenic right ventricular dysplasia 10. Also called: Arrhythmogenic Right Ventricular Dysplasia/Cardiomyopathy10; Arrhythmogenic right ventricular dysplasia/cardiomyopathy, type 10; ARRHYTHMOGENIC RIGHT VENTRICULAR DYSPLASIA, FAMILIAL, 10. Identifiers: MedGen C1857777, MONDO:0012434, OMIM 610193.

Allele frequency attached by ClinVar (database versions not stated): gnomAD 0.00607; 1000 Genomes Project 0.00739; TOPMed 0.00468; 1000 Genomes Project 30x 0.00890.

Submissions (2):

Illumina Laboratory Services, Illumina
Classification: Likely benign for Arrhythmogenic right ventricular dysplasia 10. Last evaluated: 2018-01-12. Review status: criteria provided, single submitter. Criteria: ICSL Variant Classification Criteria 13 December 2019. Collection method: clinical testing. Allele origin: germline.
Comment: This variant was observed in the ICSL laboratory as part of a predisposition screen in an ostensibly healthy population. It had not been previously curated by ICSL or reported in the Human Gene Mutation Database (HGMD: prior to June 1st, 2018), and was therefore a candidate for classification through an automated scoring system. Utilizing variant allele frequency, disease prevalence and penetrance estimates, and inheritance mode, an automated score was calculated to assess if this variant is too frequent to cause the disease. Based on the score and internal cut-off values, a variant classified as likely benign is not then subjected to further curation. The score for this variant resulted in a classification of likely benign for this disease.

GeneDx
Classification: Benign. Last evaluated: 2015-03-03. Review status: criteria provided, single submitter. Criteria: GeneDx Variant Classification Process June 2021. Collection method: clinical testing. Allele origin: germline. Affected: yes.

NM_001943.3(DSG2):c.-94G>C

Genes: DSG2 (desmoglein 2; plus strand), LOC130062340 (ATAC-STARR-seq lymphoblastoid silent region 9384; plus strand). Cytogenetic location: 18q12.1.
Variant type: single nucleotide variant.
Coding change: c.-94G>C on transcript NM_001943.3; 94 bases upstream of the start codon, G replaced by C.
Genome position (GRCh38, 1-based): chr18:31,498,158, G>C. VCF-style: chr18-31498158-G-C. GRCh37 (hg19) VCF-style: chr18-29078121-G-C.
Identifiers: ClinVar variation 326465 (VCV000326465.9), dbSNP rs149048465, ClinGen allele CA10651523.